The following is an entry in ClinVar:

ClinVar aggregate classification (germline): Conflicting classifications of pathogenicity. Review status: criteria provided, conflicting classifications (1 of 4 stars). 4 submissions from 4 submitters: Uncertain significance (1); Benign (1); Likely benign (2). Last evaluated 2026-07-15.

Conditions:
Rhabdoid tumor predisposition syndrome 2 (RTPS2). Identifiers: Orphanet 231108, Orphanet 69077, MedGen C2750074, MONDO:0013224, OMIM 613325.
Hereditary cancer-predisposing syndrome. Also called: Tumor predisposition; Neoplastic Syndromes, Hereditary; Hereditary Cancer Syndrome; Hereditary neoplastic syndrome. Identifiers: Orphanet 140162, MedGen C0027672, MeSH D009386, MONDO:0015356.

Allele frequency attached by ClinVar (database versions not stated): gnomAD exomes below 0.00001 and 0.00001.
gnomAD v4.1: 3 of 779,934 alleles (0.00038%); highest among the groups gnomAD compares: South Asian, 0.0013%; no homozygotes.

Submissions (4):

Myriad Genetics, Inc.
Classification: Benign for Rhabdoid tumor predisposition syndrome 2. Last evaluated: 2026-07-15. Review status: criteria provided, single submitter. Criteria: Myriad Autosomal Dominant, Autosomal Recessive and X-Linked Classification Criteria (2023). Collection method: clinical testing. Allele origin: unknown.
Comment: This variant is considered benign. This variant is a silent/synonymous amino acid change and it is not expected to impact splicing.

Labcorp Genetics (formerly Invitae), Labcorp
Classification: Likely benign for Rhabdoid tumor predisposition syndrome 2. Last evaluated: 2025-09-08. Review status: criteria provided, single submitter. Criteria: Invitae Variant Classification Sherloc (09022015). Collection method: clinical testing. Allele origin: germline.

GeneDx
Classification: Uncertain significance. Last evaluated: 2023-06-08. Review status: criteria provided, single submitter. Criteria: GeneDx Variant Classification Process June 2021. Collection method: clinical testing. Allele origin: germline. Affected: yes.
Comment: In silico analysis supports that this variant does not alter splicing; Has not been previously published as pathogenic or benign to our knowledge

Ambry Genetics
Classification: Likely benign for Hereditary cancer-predisposing syndrome. Last evaluated: 2018-01-19. Review status: criteria provided, single submitter. Criteria: Ambry Variant Classification Scheme 2023. Collection method: clinical testing. Allele origin: germline.

NM_003072.5(SMARCA4):c.3792G>A (p.Thr1264=)

Gene: SMARCA4 (SWI/SNF related BAF chromatin remodeling complex subunit ATPase 4; plus strand). Cytogenetic location: 19p13.2.
Variant type: single nucleotide variant.
Coding change: c.3792G>A on transcript NM_003072.5 (MANE Select); coding-DNA position 3792, G replaced by A.
Protein change: p.Thr1264=; no amino-acid change (threonine 1264 retained).
Molecular consequence: synonymous variant. On other transcripts: intron variant (5).
Genome position (GRCh38, 1-based): chr19:11,033,784, G>A. VCF-style: chr19-11033784-G-A. GRCh37 (hg19) VCF-style: chr19-11144460-G-A.
Other names: c.3792G>A, p.Thr1264= (NM_001128844.3, NM_001128849.3, NM_001387283.1); c.3774+267G>A (NM_001128847.4, NM_001374457.1, NM_001128845.2 and 2 more transcripts).
Identifiers: ClinVar variation 537890 (VCV000537890.17), dbSNP rs1333494917, ClinGen allele CA505743729.